The following is an entry in ClinVar:

ClinVar aggregate classification (germline): Uncertain significance. Review status: criteria provided, multiple submitters, no conflicts (2 of 4 stars). 3 submissions from 3 submitters: Uncertain significance (3). Last evaluated 2024-11-10.

Conditions:
Hereditary cancer-predisposing syndrome. Also called: Hereditary Cancer Syndrome; Neoplastic Syndromes, Hereditary; Tumor predisposition; Hereditary neoplastic syndrome. Identifiers: Orphanet 140162, MedGen C0027672, MeSH D009386, MONDO:0015356.
Ataxia-telangiectasia syndrome (AT). Also called: Ataxia-telangiectasia, complementation group D; AT, COMPLEMENTATION GROUP C; Ataxia-telangiectasia; ATAXIA-TELANGIECTASIA, COMPLEMENTATION GROUP A; ATAXIA-TELANGIECTASIA, FRESNO VARIANT; LOUIS-BAR SYNDROME. Identifiers: Orphanet 100, MedGen C0004135, MONDO:0008840, OMIM 208900.
Familial cancer of breast. Also called: BREAST CANCER, FAMILIAL; hereditary breast carcinoma; Hereditary breast cancer. Identifiers: Orphanet 227535, MedGen C0346153, MONDO:0016419, OMIM 114480. Disease mechanism: loss of function.

Allele frequency attached by ClinVar (database versions not stated): gnomAD exomes 0.00001; ExAC 0.00002.
gnomAD v4.1: 4 of 1,613,722 alleles (0.00025%); highest among the groups gnomAD compares: South Asian, 0.0033%; no homozygotes.

Submissions (3):

Labcorp Genetics (formerly Invitae), Labcorp
Classification: Uncertain significance for Ataxia-telangiectasia syndrome. Last evaluated: 2024-11-10. Review status: criteria provided, single submitter. Criteria: Invitae Variant Classification Sherloc (09022015). Collection method: clinical testing. Allele origin: germline.
Comment: This sequence change replaces isoleucine, which is neutral and non-polar, with methionine, which is neutral and non-polar, at codon 144 of the ATM protein (p.Ile144Met). This variant is present in population databases (rs772173522, gnomAD 0.006%). This variant has not been reported in the literature in individuals affected with ATM-related conditions. ClinVar contains an entry for this variant (Variation ID: 639187). Invitae Evidence Modeling of protein sequence and biophysical properties (such as structural, functional, and spatial information, amino acid conservation, physicochemical variation, residue mobility, and thermodynamic stability) indicates that this missense variant is not expected to disrupt ATM protein function with a negative predictive value of 95%. In summary, the available evidence is currently insufficient to determine the role of this variant in disease. Therefore, it has been classified as a Variant of Uncertain Significance.

Baylor Genetics
Classification: Uncertain significance for Familial cancer of breast. Last evaluated: 2024-02-20. Review status: criteria provided, single submitter. Criteria: ACMG Guidelines, 2015. Collection method: clinical testing. Allele origin: unknown.

Ambry Genetics
Classification: Uncertain significance for Hereditary cancer-predisposing syndrome. Last evaluated: 2019-11-19. Review status: criteria provided, single submitter. Criteria: Ambry Variant Classification Scheme 2023. Collection method: clinical testing. Allele origin: germline.
Comment: The p.I144M variant (also known as c.432A>G), located in coding exon 4 of the ATM gene, results from an A to G substitution at nucleotide position 432. The isoleucine at codon 144 is replaced by methionine, an amino acid with highly similar properties. This amino acid position is well conserved in available vertebrate species. In addition, the in silico prediction for this alteration is inconclusive. Since supporting evidence is limited at this time, the clinical significance of this alteration remains unclear.

NM_000051.4(ATM):c.432A>G (p.Ile144Met)

Gene: ATM (ATM serine/threonine kinase; plus strand). Cytogenetic location: 11q22.3.
Variant type: single nucleotide variant.
Coding change: c.432A>G on transcript NM_000051.4 (MANE Select); coding-DNA position 432, A replaced by G.
Protein change: p.Ile144Met; replaces isoleucine 144 with methionine.
Molecular consequence: missense variant.
Genome position (GRCh38, 1-based): chr11:108,235,770, A>G. VCF-style: chr11-108235770-A-G. GRCh37 (hg19) VCF-style: chr11-108106497-A-G.
Other names: c.432A>G, p.Ile144Met (NM_001351834.2); short protein forms I144M.
Identifiers: ClinVar variation 639187 (VCV000639187.12), dbSNP rs772173522, ClinGen allele CA6264607.
Genomic context (GRCh38, chr11:108,235,770, plus strand): 5'-CATGGATACAGTGAAAGATTCATCTAATGGTGCTATTTACGGAGCTGATTGTAGCAACAT[A>G]CTACTCAAAGACATTCTTTCTGTGAGAAAATACTGGTGTGAAATATCTCAGCAACAGTGG-3'
Protein context (NP_000042.3, residues 134-154): GAIYGADCSN[Ile144Met]LLKDILSVRK